The following is an entry in ClinVar:

ClinVar aggregate classification (germline): Uncertain significance (1 of 4 stars; one submission).

Conditions:
Immunodeficiency 39 (IMD39). Identifiers: Orphanet 574918, MedGen C4225358, MONDO:0014597, OMIM 616345.

Submission:

Labcorp Genetics (formerly Invitae), Labcorp
Classification: Uncertain significance for Immunodeficiency 39. Last evaluated: 2025-09-07. Review status: criteria provided, single submitter. Criteria: Invitae Variant Classification Sherloc (09022015). Collection method: clinical testing. Allele origin: germline.
Comment: This sequence change replaces proline, which is neutral and non-polar, with leucine, which is neutral and non-polar, at codon 329 of the IRF7 protein (p.Pro329Leu). This variant is not present in population databases (gnomAD no frequency). This variant has not been reported in the literature in individuals affected with IRF7-related conditions. Invitae Evidence Modeling of protein sequence and biophysical properties (such as structural, functional, and spatial information, amino acid conservation, physicochemical variation, residue mobility, and thermodynamic stability) indicates that this missense variant is not expected to disrupt IRF7 protein function with a negative predictive value of 80%. In summary, the available evidence is currently insufficient to determine the role of this variant in disease. Therefore, it has been classified as a Variant of Uncertain Significance.

NM_001572.5(IRF7):c.947C>T (p.Pro316Leu)

Gene: IRF7 (interferon regulatory factor 7; minus strand). Cytogenetic location: 11p15.5.
Variant type: single nucleotide variant.
Coding change: c.947C>T on transcript NM_001572.5 (MANE Select); coding-DNA position 947, C replaced by T.
Protein change: p.Pro316Leu; replaces proline 316 with leucine.
Molecular consequence: missense variant.
Genome position (GRCh38, 1-based): chr11:613,496, G>A on the plus strand (C>T on the coding strand, the complement: IRF7 is on the minus strand). VCF-style: chr11-613496-G-A. GRCh37 (hg19) VCF-style: chr11-613496-G-A.
Other names: c.983C>T, p.Pro328Leu (NM_001440440.1); c.944C>T, p.Pro315Leu (NM_001440442.1); c.899C>T, p.Pro300Leu (NM_001440444.1); c.857C>T, p.Pro286Leu (NM_001440445.1); c.575C>T, p.Pro192Leu (NM_001440446.1); c.860C>T, p.Pro287Leu (NM_004029.4); c.986C>T, p.Pro329Leu (NM_004031.4); short protein forms P328L, P329L, P300L, P192L, P286L, P287L, P315L, P316L.
Identifiers: ClinVar variation 4739954 (VCV004739954.1).
Genomic context (GRCh38, chr11:613,496, plus strand): 5'-TCGGCAGGGCTGGGGAATGCTACCTGCTGGGGGTCTGTGGCCCGGACAGCTGGGTCTGGG[G>A]GGCCGTATAGGAACGTGCAGCTCGGGTGTCCCACCACCTTCTGCAGCACCGTGCGGCCCT-3'
Protein context (NP_001563.2, residues 306-326): GHPSCTFLYG[Pro316Leu]PDPAVRATDP